The following is an entry in ClinVar:

ClinVar aggregate classification (germline): Likely pathogenic. Review status: criteria provided, multiple submitters, no conflicts (2 of 4 stars). 2 submissions from 2 submitters: Likely pathogenic (2). Last evaluated 2023-03-09.

Conditions:
Fanconi anemia complementation group A (FANCA). Also called: FANCA-Related Fanconi Anemia; Fanconi anemia, group A. Identifiers: Orphanet 84, MedGen C3469521, MONDO:0009215, OMIM 227650.

Allele frequency attached by ClinVar (database versions not stated): gnomAD exomes below 0.00001.
gnomAD v4.1: 1 of 1,614,198 alleles (0.000062%); highest among the groups gnomAD compares: South Asian, 0.0011%; no homozygotes.

Submissions (2):

Baylor Genetics
Classification: Likely pathogenic for Fanconi anemia complementation group A. Last evaluated: 2023-03-09. Review status: criteria provided, single submitter. Criteria: ACMG Guidelines, 2015. Collection method: clinical testing. Allele origin: unknown.

Myriad Genetics, Inc.
Classification: Likely pathogenic for Fanconi anemia complementation group A. Last evaluated: 2022-03-30. Review status: criteria provided, single submitter. Criteria: Myriad Women's Health Autosomal Recessive and X-Linked Classification Criteria (2021). Collection method: clinical testing. Allele origin: unknown.
Comment: NM_000135.2(FANCA):c.3478C>T(Q1160*) is expected to be pathogenic in the context of Fanconi anemia complementation group A. This variant is predicted to lead to an abnormal or absent protein product due to the creation of a premature termination codon in FANCA, a gene where loss-of-function variants are known to be pathogenic. Please note: this variant was assessed in the context of healthy population screening.

NM_000135.4(FANCA):c.3478C>T (p.Gln1160Ter)

Gene: FANCA (FA complementation group A; minus strand). Cytogenetic location: 16q24.3.
Variant type: single nucleotide variant.
Coding change: c.3478C>T on transcript NM_000135.4 (MANE Select); coding-DNA position 3478, C replaced by T.
Protein change: p.Gln1160Ter; replaces glutamine 1160 with a stop codon.
Molecular consequence: nonsense.
Genome position (GRCh38, 1-based): chr16:89,746,619, G>A on the plus strand (C>T on the coding strand, the complement: FANCA is on the minus strand). VCF-style: chr16-89746619-G-A. GRCh37 (hg19) VCF-style: chr16-89813027-G-A.
Other names: c.3478C>T, p.Gln1160Ter (NM_001286167.3); short protein forms Q1160*.
Identifiers: ClinVar variation 1725634 (VCV001725634.3), dbSNP rs1164540064, ClinGen allele CA397485887.
Genomic context (GRCh38, chr16:89,746,619, plus strand): 5'-ACACCAAACAAGACAGCTGACCCACCAGAGCAGAGGTCAAAATTAAGGGGCATTTCGTCT[G>A]GCACTTGGCCAGTATGAAGTCGACCATCAGGGAGGGGTCTCTGCTCCGCAGACAGGCGTT-3'